The following is an entry in ClinVar:

NM_018699.4(PRDM5):c.1526G>A (p.Arg509Gln)

Gene: PRDM5 (PR/SET domain 5; minus strand). Cytogenetic location: 4q27.
Variant type: single nucleotide variant.
Coding change: c.1526G>A on transcript NM_018699.4 (MANE Select); coding-DNA position 1526, G replaced by A.
Protein change: p.Arg509Gln; replaces arginine 509 with glutamine.
Molecular consequence: missense variant.
Genome position (GRCh38, 1-based): chr4:120,777,199, C>T on the plus strand (G>A on the coding strand, the complement: PRDM5 is on the minus strand). VCF-style: chr4-120777199-C-T. GRCh37 (hg19) VCF-style: chr4-121698354-C-T.
Other names: c.1433G>A, p.Arg478Gln (NM_001300823.2, NM_001300824.2, NM_001379106.1); c.1559G>A, p.Arg520Gln (NM_001379104.1); short protein forms R509Q, R520Q, R478Q.
Identifiers: ClinVar variation 1774529 (VCV001774529.4), dbSNP rs2477057976, ClinGen allele CA358208309.

ClinVar aggregate classification (germline): Uncertain significance. Review status: criteria provided, multiple submitters, no conflicts (2 of 4 stars). 2 submissions from 2 submitters: Uncertain significance (2). Last evaluated 2025-06-10.

Conditions:
Cardiovascular phenotype. Identifiers: MedGen CN230736.

Allele frequency attached by ClinVar (database versions not stated): gnomAD exomes below 0.00001.
gnomAD v4.1: 2 of 1,613,206 alleles (0.00012%); highest among the groups gnomAD compares: Non-Finnish European, 0.00017%; no homozygotes.

Submissions (2):

Ambry Genetics
Classification: Uncertain significance for Cardiovascular phenotype. Last evaluated: 2025-06-10. Review status: criteria provided, single submitter. Criteria: Ambry Variant Classification Scheme 2023. Collection method: clinical testing. Allele origin: germline.
Comment: The p.R509Q variant (also known as c.1526G>A), located in coding exon 13 of the PRDM5 gene, results from a G to A substitution at nucleotide position 1526. The arginine at codon 509 is replaced by glutamine, an amino acid with highly similar properties. This amino acid position is highly conserved in available vertebrate species. In addition, the in silico prediction for this alteration is inconclusive. Since supporting evidence is limited at this time, the clinical significance of this alteration remains unclear.

GeneDx
Classification: Uncertain significance. Last evaluated: 2024-07-03. Review status: criteria provided, single submitter. Criteria: GeneDx Variant Classification Process June 2021. Collection method: clinical testing. Allele origin: germline. Affected: yes.
Comment: Not observed at significant frequency in large population cohorts (gnomAD); In silico analysis supports that this missense variant has a deleterious effect on protein structure/function; Has not been previously published as pathogenic or benign to our knowledge